The following is an entry in ClinVar:

ClinVar aggregate classification (germline): Uncertain significance. Review status: criteria provided, multiple submitters, no conflicts (2 of 4 stars). 3 submissions from 3 submitters: Uncertain significance (3). Last evaluated 2024-03-29.

Conditions:
Familial adenomatous polyposis 1 (FAP1). Also called: POLYPOSIS, ADENOMATOUS INTESTINAL; FAMILIAL ADENOMATOUS POLYPOSIS 1, ATTENUATED. Identifiers: MedGen C2713442, MONDO:0021056, OMIM 175100. Disease mechanism: loss of function.

Submissions (3):

Quest Diagnostics Nichols Institute San Juan Capistrano
Classification: Uncertain significance. Last evaluated: 2024-03-29. Review status: criteria provided, single submitter. Criteria: Quest Diagnostics criteria. Collection method: clinical testing. Allele origin: unknown.
Comment: The APC c.8423C>T (p.Pro2808Leu) variant has not been reported in individuals with APC-related conditions in the published literature. It also has not been reported in large, multi-ethnic general populations (Genome Aggregation Database). Analysis of this variant using bioinformatics tools for the prediction of the effect of amino acid changes on protein structure and function yielded predictions that this variant is damaging. Based on the available information, we are unable to determine the clinical significance of this variant.

Labcorp Genetics (formerly Invitae), Labcorp
Classification: Uncertain significance for Familial adenomatous polyposis 1. Last evaluated: 2023-01-25. Review status: criteria provided, single submitter. Criteria: Invitae Variant Classification Sherloc (09022015). Collection method: clinical testing. Allele origin: germline.
Comment: ClinVar contains an entry for this variant (Variation ID: 1321128). This sequence change replaces proline, which is neutral and non-polar, with leucine, which is neutral and non-polar, at codon 2808 of the APC protein (p.Pro2808Leu). This variant is not present in population databases (gnomAD no frequency). This variant has not been reported in the literature in individuals affected with APC-related conditions. Advanced modeling of protein sequence and biophysical properties (such as structural, functional, and spatial information, amino acid conservation, physicochemical variation, residue mobility, and thermodynamic stability) performed at Invitae indicates that this missense variant is not expected to disrupt APC protein function. In summary, the available evidence is currently insufficient to determine the role of this variant in disease. Therefore, it has been classified as a Variant of Uncertain Significance.

GeneDx
Classification: Uncertain significance. Last evaluated: 2020-02-18. Review status: criteria provided, single submitter. Criteria: GeneDx Variant Classification Process June 2021. Collection method: clinical testing. Allele origin: germline. Affected: yes.
Comment: Not observed in large population cohorts (Lek 2016); In silico analysis supports that this missense variant does not alter protein structure/function; Has not been previously published as pathogenic or benign to our knowledge

NM_000038.6(APC):c.8423C>T (p.Pro2808Leu)

Gene: APC (APC regulator of Wnt signaling pathway; plus strand). Cytogenetic location: 5q22.2.
Variant type: single nucleotide variant.
Coding change: c.8423C>T on transcript NM_000038.6 (MANE Select); coding-DNA position 8423, C replaced by T.
Protein change: p.Pro2808Leu; replaces proline 2808 with leucine.
Molecular consequence: missense variant.
Genome position (GRCh38, 1-based): chr5:112,844,017, C>T. VCF-style: chr5-112844017-C-T. GRCh37 (hg19) VCF-style: chr5-112179714-C-T.
Other names: c.8423C>T, p.Pro2808Leu (NM_001127510.3, NM_001354895.2); c.8369C>T, p.Pro2790Leu (NM_001127511.3); c.8477C>T, p.Pro2826Leu (NM_001354896.2); c.8453C>T, p.Pro2818Leu (NM_001354897.2); c.8348C>T, p.Pro2783Leu (NM_001354898.2); c.8339C>T, p.Pro2780Leu (NM_001354899.2); c.8300C>T, p.Pro2767Leu (NM_001354900.2); c.8246C>T, p.Pro2749Leu (NM_001354901.2); and 5 more; short protein forms P2525L, P2648L, P2682L, P2707L, P2717L, P2749L, P2767L, P2780L.
Identifiers: ClinVar variation 1321128 (VCV001321128.6), dbSNP rs2150005074, ClinGen allele CA16039608.